The following is an entry in ClinVar:

ClinVar aggregate classification (germline): Uncertain significance. Review status: criteria provided, multiple submitters, no conflicts (2 of 4 stars). 2 submissions from 2 submitters: Uncertain significance (2). Last evaluated 2026-01-13.

Conditions:
Vitamin B2 deficiency. Identifiers: MedGen C0035528.

Allele frequency attached by ClinVar (database versions not stated): gnomAD 0.00002; TOPMed 0.00003; gnomAD exomes 0.00008; 1000 Genomes Project 30x 0.00016; ExAC 0.00019; 1000 Genomes Project 0.00020.

Submissions (2):

Labcorp Genetics (formerly Invitae), Labcorp
Classification: Uncertain significance for Vitamin B2 deficiency. Last evaluated: 2026-01-13. Review status: criteria provided, single submitter. Criteria: Invitae Variant Classification Sherloc (09022015). Collection method: clinical testing. Allele origin: germline.
Comment: This sequence change replaces proline, which is neutral and non-polar, with leucine, which is neutral and non-polar, at codon 42 of the SLC52A1 protein (p.Pro42Leu). This variant is present in population databases (rs200242588, gnomAD 0.1%), and has an allele count higher than expected for a pathogenic variant. This variant has not been reported in the literature in individuals affected with SLC52A1-related conditions. ClinVar contains an entry for this variant (Variation ID: 2196295). Invitae Evidence Modeling of protein sequence and biophysical properties (such as structural, functional, and spatial information, amino acid conservation, physicochemical variation, residue mobility, and thermodynamic stability) indicates that this missense variant is expected to disrupt SLC52A1 protein function with a positive predictive value of 80%. In summary, the available evidence is currently insufficient to determine the role of this variant in disease. Therefore, it has been classified as a Variant of Uncertain Significance.

Ambry Genetics
Classification: Uncertain significance. Last evaluated: 2025-08-20. Review status: criteria provided, single submitter. Criteria: Ambry Variant Classification Scheme 2023. Collection method: clinical testing. Allele origin: germline.

NM_017986.4(SLC52A1):c.125C>T (p.Pro42Leu)

Gene: SLC52A1 (solute carrier family 52 member 1; minus strand). Cytogenetic location: 17p13.2.
Variant type: single nucleotide variant.
Coding change: c.125C>T on transcript NM_017986.4 (MANE Select); coding-DNA position 125, C replaced by T.
Protein change: p.Pro42Leu; replaces proline 42 with leucine.
Molecular consequence: missense variant.
Genome position (GRCh38, 1-based): chr17:5,034,482, G>A on the plus strand (C>T on the coding strand, the complement: SLC52A1 is on the minus strand). VCF-style: chr17-5034482-G-A. GRCh37 (hg19) VCF-style: chr17-4937777-G-A.
Other names: c.125C>T, p.Pro42Leu (NM_001104577.2); c.125C>T (NM_001104577.1); short protein forms P42L.
Identifiers: ClinVar variation 2196295 (VCV002196295.5), dbSNP rs200242588, ClinGen allele CA8319889.